The following is an entry in ClinVar:

ClinVar aggregate classification (germline): Uncertain significance (1 of 4 stars; one submission).

Submission:

Labcorp Genetics (formerly Invitae), Labcorp
Classification: Uncertain significance. Last evaluated: 2023-02-07. Review status: criteria provided, single submitter. Criteria: Invitae Variant Classification Sherloc (09022015). Collection method: clinical testing. Allele origin: germline.
Comment: In summary, the available evidence is currently insufficient to determine the role of this variant in disease. Therefore, it has been classified as a Variant of Uncertain Significance. Algorithms developed to predict the effect of missense changes on protein structure and function output the following: SIFT: "Tolerated"; PolyPhen-2: "Benign"; Align-GVGD: "Class C0". The proline amino acid residue is found in multiple mammalian species, which suggests that this missense change does not adversely affect protein function. This variant has not been reported in the literature in individuals affected with REST-related conditions. This variant is not present in population databases (gnomAD no frequency). This sequence change replaces serine, which is neutral and polar, with proline, which is neutral and non-polar, at codon 551 of the REST protein (p.Ser551Pro).

NM_005612.5(REST):c.1651T>C (p.Ser551Pro)

Gene: REST (RE1 silencing transcription factor; plus strand). Cytogenetic location: 4q12.
Variant type: single nucleotide variant.
Coding change: c.1651T>C on transcript NM_005612.5 (MANE Select); coding-DNA position 1651, T replaced by C.
Protein change: p.Ser551Pro; replaces serine 551 with proline.
Molecular consequence: missense variant.
Genome position (GRCh38, 1-based): chr4:56,930,509, T>C. VCF-style: chr4-56930509-T-C. GRCh37 (hg19) VCF-style: chr4-57796675-T-C.
Other names: c.1651T>C, p.Ser551Pro (NM_001193508.2, NM_001363453.3); short protein forms S551P.
Identifiers: ClinVar variation 3016489 (VCV003016489.3), dbSNP rs2109574152, ClinGen allele CA357007103.